The following is an entry in ClinVar:

ClinVar aggregate classification (germline): Uncertain significance. Review status: criteria provided, single submitter (1 of 4 stars). 2 submissions from 2 submitters: Uncertain significance (1). 1 of the submissions does not count toward it. Last evaluated 2021-08-02.

Conditions:
Inborn genetic diseases. Identifiers: MedGen C0950123, MeSH D030342.
VPS16-related disorder. Also called: VPS16-related condition.

Allele frequency attached by ClinVar (database versions not stated): gnomAD exomes 0.00003; ExAC 0.00012; ESP Exome Variant Server 0.00038; 1000 Genomes Project 0.00040; gnomAD 0.00046; 1000 Genomes Project 30x 0.00047; TOPMed 0.00047.

Submissions (2):

Ambry Genetics
Classification: Uncertain significance for Inborn genetic diseases. Last evaluated: 2021-08-02. Review status: criteria provided, single submitter. Criteria: Ambry Variant Classification Scheme 2023. Collection method: clinical testing. Allele origin: germline.

PreventionGenetics, part of Exact Sciences
Classification: Likely benign for VPS16-related condition. Last evaluated: 2023-05-22. Review status: no assertion criteria provided. Collection method: clinical testing. Allele origin: germline. Not counted in ClinVar's aggregate classification.
Comment: This variant is classified as likely benign based on ACMG/AMP sequence variant interpretation guidelines (Richards et al. 2015 PMID: 25741868, with internal and published modifications).

NM_022575.4(VPS16):c.470C>T (p.Ala157Val)

Gene: VPS16 (VPS16 core subunit of CORVET and HOPS complexes; plus strand). Cytogenetic location: 20p13.
Variant type: single nucleotide variant.
Coding change: c.470C>T on transcript NM_022575.4 (MANE Select); coding-DNA position 470, C replaced by T.
Protein change: p.Ala157Val; replaces alanine 157 with valine.
Molecular consequence: missense variant.
Genome position (GRCh38, 1-based): chr20:2,860,549, C>T. VCF-style: chr20-2860549-C-T. GRCh37 (hg19) VCF-style: chr20-2841195-C-T.
Other names: c.470C>T, p.Ala157Val (NM_080413.3); c.470C>T (NM_022575.3); short protein forms A157V.
Identifiers: ClinVar variation 2373250 (VCV002373250.4), dbSNP rs142580838, ClinGen allele CA9737355.